The following is an entry in ClinVar:

NM_001378615.1(CC2D2A):c.2580C>T (p.Leu860=)

Genes: CC2D2A (coiled-coil and C2 domain containing 2A; plus strand), FBXL5 (F-box and leucine rich repeat protein 5; minus strand). Cytogenetic location: 4p15.32.
Variant type: single nucleotide variant.
Coding change: c.2580C>T on transcript NM_001378615.1 (MANE Select); coding-DNA position 2580, C replaced by T.
Protein change: p.Leu860=; no amino-acid change (leucine 860 retained).
Molecular consequence: synonymous variant.
Genome position (GRCh38, 1-based): chr4:15,555,165, C>T. VCF-style: chr4-15555165-C-T. GRCh37 (hg19) VCF-style: chr4-15556788-C-T.
Other names: c.2580C>T, p.Leu860= (NM_001080522.2); c.2433C>T, p.Leu811= (NM_001378617.1).
Identifiers: ClinVar variation 1347196 (VCV001347196.10), dbSNP rs955087884, ClinGen allele CA92544749.

ClinVar aggregate classification (germline): Likely benign. Review status: criteria provided, single submitter (1 of 4 stars). 2 submissions from 2 submitters: Likely benign (1). 1 of the submissions does not count toward it. Last evaluated 2025-08-10.

Conditions:
CC2D2A-related disorder. Also called: CC2D2A-related disorders; CC2D2A-related condition. Identifiers: MedGen CN239313.
Joubert syndrome. Also called: JOUBERT-BOLTSHAUSER SYNDROME; Familial aplasia of the vermis. Identifiers: Orphanet 475, MedGen C5979921, MONDO:0018772.
Meckel-Gruber syndrome. Also called: DYSENCEPHALIA SPLANCHNOCYSTICA; GRUBER SYNDROME; Dysencephalia splachnocystica. Identifiers: Orphanet 564, MedGen C0265215, MONDO:0018921.

Allele frequency attached by ClinVar (database versions not stated): TOPMed below 0.00001; gnomAD 0.00001; gnomAD exomes 0.00001.
gnomAD v4.1: 11 of 1,613,760 alleles (0.00068%); highest among the groups gnomAD compares: South Asian, 0.0011%; no homozygotes.

Submissions (2):

Labcorp Genetics (formerly Invitae), Labcorp
Classification: Likely benign for Joubert syndrome; Meckel-Gruber syndrome. Last evaluated: 2025-08-10. Review status: criteria provided, single submitter. Criteria: Invitae Variant Classification Sherloc (09022015). Collection method: clinical testing. Allele origin: germline.

PreventionGenetics, part of Exact Sciences
Classification: Likely benign for CC2D2A-related condition. Last evaluated: 2019-11-20. Review status: no assertion criteria provided. Collection method: clinical testing. Allele origin: germline. Not counted in ClinVar's aggregate classification.
Comment: This variant is classified as likely benign based on ACMG/AMP sequence variant interpretation guidelines (Richards et al. 2015 PMID: 25741868, with internal and published modifications).